The following is an entry in ClinVar:

ClinVar aggregate classification (germline): Uncertain significance (1 of 4 stars; one submission).

Conditions:
Autosomal dominant nonsyndromic hearing loss 11. Identifiers: Orphanet 90635, MedGen C1832475, MONDO:0011032, OMIM 601317.
Autosomal recessive nonsyndromic hearing loss 2. Also called: DEAFNESS, AUTOSOMAL RECESSIVE 2; NEUROSENSORY NONSYNDROMIC RECESSIVE DEAFNESS 2. Identifiers: Orphanet 90636, MedGen C1838701, MONDO:0010807, OMIM 600060.
Usher syndrome type 1 (USH1). Also called: RETINITIS PIGMENTOSA AND CONGENITAL DEAFNESS. Identifiers: Orphanet 231169, Orphanet 886, MedGen C1568247, MONDO:0010168, OMIM 276900.

Submission:

Juno Genomics, Hangzhou Juno Genomics, Inc
Classification: Uncertain significance for Autosomal dominant nonsyndromic hearing loss 11; Autosomal recessive nonsyndromic hearing loss 2; Usher syndrome type 1. Review status: criteria provided, single submitter. Criteria: ACMG Guidelines, 2015. Collection method: clinical testing. Allele origin: germline. Affected: yes.
Comment: Absent from controls (or at extremely low frequency if recessive) in Genome Aggregation Database, Exome Sequencing Project, 1000 Genomes Project, or Exome Aggregation Consortium.;Multiple lines of computational evidence support a deleterious effect on the gene or gene product (conservation, evolutionary, splicing impact, etc).

NM_000260.4(MYO7A):c.295G>C (p.Gly99Arg)

Gene: MYO7A (myosin VIIA; plus strand). Cytogenetic location: 11q13.5.
Variant type: single nucleotide variant.
Coding change: c.295G>C on transcript NM_000260.4 (MANE Select); coding-DNA position 295, G replaced by C.
Protein change: p.Gly99Arg; replaces glycine 99 with arginine.
Molecular consequence: missense variant.
Genome position (GRCh38, 1-based): chr11:77,155,916, G>C. VCF-style: chr11-77155916-G-C. GRCh37 (hg19) VCF-style: chr11-76866962-G-C.
Other names: c.295G>C, p.Gly99Arg (NM_001127180.2); c.262G>C, p.Gly88Arg (NM_001369365.1); short protein forms G88R, G99R.
Identifiers: ClinVar variation 3383022 (VCV003383022.2).